The following is an entry in ClinVar:

ClinVar aggregate classification (germline): Conflicting classifications of pathogenicity. Review status: criteria provided, conflicting classifications (1 of 4 stars). 3 submissions from 3 submitters: Uncertain significance (1); Likely benign (2). Last evaluated 2025-06-09.

Conditions:
DICER1-related tumor predisposition. Also called: DICER1-related pleuropulmonary blastoma cancer predisposition syndrome; DICER1 syndrome. Identifiers: Orphanet 284343, MedGen C3839822, MONDO:0100216.
Hereditary cancer-predisposing syndrome. Also called: Neoplastic Syndromes, Hereditary; Hereditary Cancer Syndrome; Hereditary neoplastic syndrome; Tumor predisposition. Identifiers: Orphanet 140162, MedGen C0027672, MeSH D009386, MONDO:0015356.

Submissions (3):

Labcorp Genetics (formerly Invitae), Labcorp
Classification: Likely benign for DICER1-related tumor predisposition. Last evaluated: 2025-06-09. Review status: criteria provided, single submitter. Criteria: Invitae Variant Classification Sherloc (09022015). Collection method: clinical testing. Allele origin: germline.

Sema4
Classification: Uncertain significance for Hereditary cancer-predisposing syndrome. Last evaluated: 2021-04-06. Review status: criteria provided, single submitter. Criteria: Sema4 Curation Guidelines. Collection method: curation. Allele origin: germline.
Comment: The DICER1 c.4506C>T (p.D1502=) variant has not been reported in the literature to our knowledge. It was not observed in the large and broad cohorts of the Genome Aggregation Database (PMID: 32461654). The variant has been reported in ClinVar (Variation ID: 824954). In silico tools suggest the variant may potentially have an impact on splicing, though these predictions have not been confirmed by functional studies. The evidence is insufficient to meet ACMG/AMP criteria for classifying the variant as benign or pathogenic. Thus, the clinical significance of this variant is currently uncertain.

Ambry Genetics
Classification: Likely benign for Hereditary cancer-predisposing syndrome. Last evaluated: 2018-01-26. Review status: criteria provided, single submitter. Criteria: Ambry Variant Classification Scheme 2023. Collection method: clinical testing. Allele origin: germline.

NM_177438.3(DICER1):c.4506C>T (p.Asp1502=)

Gene: DICER1 (dicer 1, ribonuclease III; minus strand). Cytogenetic location: 14q32.13.
Variant type: single nucleotide variant.
Coding change: c.4506C>T on transcript NM_177438.3 (MANE Select); coding-DNA position 4506, C replaced by T.
Protein change: p.Asp1502=; no amino-acid change (aspartic acid 1502 retained).
Molecular consequence: synonymous variant.
Genome position (GRCh38, 1-based): chr14:95,096,414, G>A on the plus strand (C>T on the coding strand, the complement: DICER1 is on the minus strand). VCF-style: chr14-95096414-G-A. GRCh37 (hg19) VCF-style: chr14-95562751-G-A.
Other names: c.4506C>T, p.Asp1502= (NM_001195573.1, NM_001271282.3, NM_001291628.2 and 1 more transcripts).
Identifiers: ClinVar variation 824954 (VCV000824954.14), dbSNP rs1595341062, ClinGen allele CA487844076.